The following is an entry in ClinVar:

ClinVar aggregate classification (germline): Uncertain significance (1 of 4 stars; one submission).

Conditions:
TTN-related disorder. Also called: TTN-related disorders; TTN-related condition; TTN-related disease.

gnomAD v4.1: 4 of 1,614,084 alleles (0.00025%); highest among the groups gnomAD compares: East Asian, 0.0089%; no homozygotes.

Submission:

PreventionGenetics, part of Exact Sciences
Classification: Uncertain significance for TTN-related condition. Last evaluated: 2026-04-11. Review status: criteria provided, single submitter. Criteria: ACMG Guidelines, 2015. Collection method: clinical testing. Allele origin: germline.
Comment: The TTN c.1274C>G variant is predicted to result in the amino acid substitution p.Ala425Gly. To our knowledge, this variant has not been reported in the literature. This variant is reported in 0.016% of alleles in individuals of East Asian descent in gnomAD. At this time, the clinical significance of this variant is uncertain due to the absence of conclusive functional and genetic evidence.

NM_001267550.2(TTN):c.1274C>G (p.Ala425Gly)

Gene: TTN (titin; minus strand). Cytogenetic location: 2q31.2.
Variant type: single nucleotide variant.
Coding change: c.1274C>G on transcript NM_001267550.2 (MANE Select); coding-DNA position 1274, C replaced by G.
Protein change: p.Ala425Gly; replaces alanine 425 with glycine.
Molecular consequence: missense variant.
Genome position (GRCh38, 1-based): chr2:178,794,523, G>C on the plus strand (C>G on the coding strand, the complement: TTN is on the minus strand). VCF-style: chr2-178794523-G-C. GRCh37 (hg19) VCF-style: chr2-179659250-G-C.
Other names: c.1274C>G, p.Ala425Gly (NM_001256850.1, NM_003319.4, NM_133378.4 and 3 more transcripts); short protein forms A425G.
Identifiers: ClinVar variation 4986417 (VCV004986417.1).